The following is an entry in ClinVar:

ClinVar aggregate classification (germline): Pathogenic (1 of 4 stars; one submission).

Submission:

Labcorp Genetics (formerly Invitae), Labcorp
Classification: Pathogenic. Last evaluated: 2023-07-25. Review status: criteria provided, single submitter. Criteria: Invitae Variant Classification Sherloc (09022015). Collection method: clinical testing. Allele origin: germline.
Comment: This sequence change results in a frameshift in the ABCA4 gene (p.Arg2263Leufs*46). While this is not anticipated to result in nonsense mediated decay, it is expected to disrupt the last 11 amino acid(s) of the ABCA4 protein and extend the protein by 34 additional amino acid residues. This variant is not present in population databases (gnomAD no frequency). This variant has not been reported in the literature in individuals affected with ABCA4-related conditions. This variant disrupts a region of the ABCA4 protein in which other variant(s) (p.Arg2263Gln) have been determined to be pathogenic (PMID: 33988224). This suggests that this is a clinically significant region of the protein, and that variants that disrupt it are likely to be disease-causing. For these reasons, this variant has been classified as Pathogenic.

Literature cited by the submitters: PubMed 33988224.

NM_000350.3(ABCA4):c.6788_6791del (p.Arg2263fs)

Gene: ABCA4 (ATP binding cassette subfamily A member 4; minus strand). Cytogenetic location: 1p22.1.
Variant type: Deletion.
Coding change: c.6788_6791del on transcript NM_000350.3 (MANE Select); coding-DNA positions 6788 to 6791, 4 bases deleted (GAGC; older notation c.6788_6791delGAGC).
Protein change: p.Arg2263fs; shifts the reading frame from arginine 2263.
Molecular consequence: frameshift variant.
Genome position (GRCh38, 1-based): chr1:93,996,134-93,996,137, GCTC deleted on the plus strand (GAGC on the coding strand, the reverse complement: ABCA4 is on the minus strand); deleting any 4 consecutive bases within chr1:93,996,134-93,996,138 gives the same sequence; the c. name uses the placement nearest the transcript's 3' end. VCF-style (leftmost placement, unchanged base first): chr1-93996133-AGCTC-A. GRCh37 (hg19) VCF-style: chr1-94461689-AGCTC-A.
Other names: c.6565_6568delCGAG, p.Arg2189Leufs (NM_001425324.1); short protein forms R2263fs.
Identifiers: ClinVar variation 2776897 (VCV002776897.3), dbSNP rs2523609463, ClinGen allele CA2739272654.